The following is an entry in ClinVar:

ClinVar aggregate classification (germline): not provided (0 of 4 stars; one submission).

Submission:

GeneDx
No classification provided. Review status: no classification provided. Criteria: GeneDx Variant Classification (06012015). Collection method: clinical testing. Allele origin: germline. Affected: yes.
Comment: The c.3029_3030delAG variant in MYBPC3 causes a shift in reading frame at codon Glutamic acid 1010, changing it to a Glycine, and creates a premature Stop codon at position 40 of the new reading frame. Although this change has not been reported previously as a mutation nor as a polymorphism to our knowledge, it is expected to result in an abnormal, truncated protein or in absence of protein from this allele due to mRNA decay.

NM_000256.3(MYBPC3):c.3029_3030del (p.Glu1010fs)

Gene: MYBPC3 (myosin binding protein C3; minus strand). Cytogenetic location: 11p11.2.
Variant type: Microsatellite.
Coding change: c.3029_3030del on transcript NM_000256.3 (MANE Select); coding-DNA positions 3029 to 3030, 2 bases deleted (AG; older notation c.3029_3030delAG).
Protein change: p.Glu1010fs; shifts the reading frame from glutamic acid 1010.
Molecular consequence: frameshift variant.
Genome position (GRCh38, 1-based): chr11:47,333,717-47,333,718, CT deleted on the plus strand (AG on the coding strand, the reverse complement: MYBPC3 is on the minus strand); deleting any 2 consecutive bases within chr11:47,333,717-47,333,720 gives the same sequence; the c. name uses the placement nearest the transcript's 3' end. VCF-style (leftmost placement, unchanged base first): chr11-47333716-CCT-C. GRCh37 (hg19) VCF-style: chr11-47355267-CCT-C.
Other names: c.3029_3030delAG (NM_000256.3); short protein forms E1010fs.
Identifiers: ClinVar variation 181092 (VCV000181092.2), dbSNP rs730880665, ClinGen allele CA013350.